The following is an entry in ClinVar:

ClinVar aggregate classification (germline): Likely pathogenic (1 of 4 stars; one submission).

Conditions:
Inborn genetic diseases. Identifiers: MedGen C0950123, MeSH D030342.

Submission:

Ambry Genetics
Classification: Likely pathogenic for Inborn genetic diseases. Last evaluated: 2025-11-14. Review status: criteria provided, single submitter. Criteria: Ambry Variant Classification Scheme 2023. Collection method: clinical testing. Allele origin: germline.
Comment: The c.806_818dupCCAAGTCGGAGGA (p.E274Qfs*5) alteration, located in exon 5 (coding exon 5) of the CCND2 gene, consists of a duplication of CCAAGTCGGAGGA at position 806, causing a translational frameshift with a predicted alternate stop codon after 5 amino acids. This variant is not expected to trigger nonsense-mediated mRNA decay, and impacts the last 3.8% of the protein. The exact functional effect of this alteration is unknown. for CCND2-related megalencephaly-polymicrogyria-polydactyly-hydrocephalus (MPPH) syndrome; however, its clinical significance for CCND2-related microcephaly is uncertain. This variant was not reported in population-based cohorts in the Genome Aggregation Database (gnomAD). This variant is located in a region of the protein where truncating variants that escape nonsense mediated mRNA decay have been reported as disease-causing for megalencephaly-polymicrogyria-polydactyly-hydrocephalus (MPPH) syndrome (Mirzaa, 2014; Zhao, 2024). Based on the available evidence, this alteration is classified as likely pathogenic.

Literature cited by the submitters: PubMed 24705253; PubMed 38700464.

NM_001759.4(CCND2):c.806_818dup (p.Glu274fs)

Gene: CCND2 (cyclin D2; plus strand). Cytogenetic location: 12p13.32.
Variant type: Duplication.
Coding change: c.806_818dup on transcript NM_001759.4 (MANE Select); coding-DNA positions 806 to 818, 13 bases duplicated (CCAAGTCGGAGGA).
Protein change: p.Glu274fs; shifts the reading frame from glutamic acid 274.
Molecular consequence: frameshift variant.
Genome position (GRCh38, 1-based): chr12:4,299,945-4,299,957, CCAAGTCGGAGGA duplicated. VCF-style (leftmost placement, unchanged base first): chr12-4299944-T-TCCAAGTCGGAGGA. GRCh37 (hg19) VCF-style: chr12-4409110-T-TCCAAGTCGGAGGA.
Other names: short protein forms E274fs.
Identifiers: ClinVar variation 4607569 (VCV004607569.1).